The following is an entry in ClinVar:

NM_016239.4(MYO15A):c.9316dup (p.His3106fs)

Gene: MYO15A (myosin XVA; plus strand). Cytogenetic location: 17p11.2.
Variant type: Duplication.
Coding change: c.9316dup on transcript NM_016239.4 (MANE Select); coding-DNA position 9316, one base duplicated (C; older notation c.9316dupC).
Protein change: p.His3106fs; shifts the reading frame from histidine 3106.
Molecular consequence: frameshift variant.
Genome position (GRCh38, 1-based): chr17:18,159,947, C duplicated; the last of 2 consecutive C bases (chr17:18,159,946-18,159,947); duplicating either gives the same sequence. VCF-style (leftmost placement, unchanged base first): chr17-18159945-A-AC. GRCh37 (hg19) VCF-style: chr17-18063259-A-AC.
Other names: short protein forms H3106fs.
Identifiers: ClinVar variation 5005715 (VCV005005715.2).

ClinVar aggregate classification (germline): Pathogenic (1 of 4 stars; one submission).

Conditions:
Autosomal recessive nonsyndromic hearing loss 3. Also called: NEUROSENSORY NONSYNDROMIC RECESSIVE DEAFNESS 3. Identifiers: Orphanet 90636, MedGen C1838263, MONDO:0010860, OMIM 600316.

Submission:

Juno Genomics, Hangzhou Juno Genomics, Inc
Classification: Pathogenic for Autosomal recessive nonsyndromic hearing loss 3. Review status: criteria provided, single submitter. Criteria: ACMG Guidelines, 2015. Collection method: clinical testing. Allele origin: germline.
Comment: Absent from controls (or at extremely low frequency if recessive) in Genome Aggregation Database.;Null variant in a gene where loss of function (LOF) is a known mechanism of disease.;For recessive disorders, detected in trans with a pathogenic variant.